The following is an entry in ClinVar:

NM_007294.4(BRCA1):c.3779T>G (p.Leu1260Ter)

Genes: BRCA1 (BRCA1 DNA repair associated; minus strand), LOC126862571 (BRD4-independent group 4 enhancer GRCh37_chr17:41243136-41244335; plus strand). Cytogenetic location: 17q21.31.
Variant type: single nucleotide variant.
Coding change: c.3779T>G on transcript NM_007294.4 (MANE Select); coding-DNA position 3779, T replaced by G.
Protein change: p.Leu1260Ter; replaces leucine 1260 with a stop codon.
Molecular consequence: nonsense. On other transcripts: intron variant (135).
Genome position (GRCh38, 1-based): chr17:43,091,752, A>C on the plus strand (T>G on the coding strand, the complement: BRCA1 is on the minus strand). VCF-style: chr17-43091752-A-C. GRCh37 (hg19) VCF-style: chr17-41243769-A-C.
Other names: c.3779T>G, p.Leu1260Ter (NM_001407639.1, NM_001407640.1, NM_001407641.1 and 30 more transcripts); c.3776T>G, p.Leu1259Ter (NM_001407644.1, NM_001407645.1, NM_001407860.1 and 22 more transcripts); c.3770T>G, p.Leu1257Ter (NM_001407646.1, NM_001407647.1); c.3656T>G, p.Leu1219Ter (NM_001407648.1, NM_001407664.1, NM_001407665.1 and 19 more transcripts); c.3653T>G, p.Leu1218Ter (NM_001407649.1, NM_001407670.1, NM_001407671.1 and 11 more transcripts); c.3701T>G, p.Leu1234Ter (NM_001407653.1, NM_001407654.1, NM_001407655.1 and 4 more transcripts); c.3698T>G, p.Leu1233Ter (NM_001407659.1, NM_001407660.1, NM_001407661.1 and 1 more transcripts); c.3638T>G, p.Leu1213Ter (NM_001407692.1, NM_001407694.1, NM_001407695.1 and 29 more transcripts); and 42 more; short protein forms L1260*, L1213*, L1133*, L1189*, L392*, L964*, L1132*, L1149*.
Identifiers: ClinVar variation 254444 (VCV000254444.7), dbSNP rs886038025, ClinGen allele CA10586617.

ClinVar aggregate classification (germline): Pathogenic. Review status: reviewed by expert panel (3 of 4 stars). 4 submissions from 4 submitters: Pathogenic (1). 3 of the submissions do not count toward it. Last evaluated 2016-09-08.

Conditions:
Hereditary cancer-predisposing syndrome. Also called: Hereditary Cancer Syndrome; Neoplastic Syndromes, Hereditary; Hereditary neoplastic syndrome; Tumor predisposition. Identifiers: Orphanet 140162, MedGen C0027672, MeSH D009386, MONDO:0015356.
Breast-ovarian cancer, familial, susceptibility to, 1 (BROVCA1). Also called: BRCA1 Hereditary Breast and Ovarian Cancer; OVARIAN CANCER, SUSCEPTIBILITY TO. Identifiers: Orphanet 145, MedGen C2676676, MONDO:0011450, OMIM 604370. Disease mechanism: loss of function.

Submissions (4):

Evidence-based Network for the Interpretation of Germline Mutant Alleles (ENIGMA)
Classification: Pathogenic for Breast-ovarian cancer, familial, susceptibility to, 1. Last evaluated: 2016-09-08. Review status: reviewed by expert panel. Criteria: ENIGMA BRCA1/2 Classification Criteria (2015). Collection method: curation. Allele origin: germline.
Comment: Variant allele predicted to encode a truncated non-functional protein.

Ambry Genetics
Classification: Pathogenic for Hereditary cancer-predisposing syndrome. Last evaluated: 2024-10-03. Review status: criteria provided, single submitter. Criteria: Ambry Variant Classification Scheme 2023. Collection method: clinical testing. Allele origin: germline. Not counted in ClinVar's aggregate classification.
Comment: The p.L1260* pathogenic mutation (also known as c.3779T>G), located in coding exon 9 of the BRCA1 gene, results from a T to G substitution at nucleotide position 3779. This changes the amino acid from a leucine to a stop codon within coding exon 9. This variant is considered to be rare based on population cohorts in the Genome Aggregation Database (gnomAD). This alteration is expected to result in loss of function by premature protein truncation or nonsense-mediated mRNA decay. As such, this alteration is interpreted as a disease-causing mutation.

KCCC/NGS Laboratory, Kuwait Cancer Control Center
Classification: Pathogenic for Breast-ovarian cancer, familial, susceptibility to, 1. Last evaluated: 2024-05-02. Review status: criteria provided, single submitter. Criteria: ACMG Guidelines, 2015. Collection method: clinical testing. Allele origin: germline. Inheritance: Autosomal dominant inheritance. Affected: yes. Observed: 1 heterozygote. Not counted in ClinVar's aggregate classification.
Comment: This pathogenic variant is denoted BRCA1 c.3779T>G at the cDNA level and p.Leu1260Ter (L1260X) at the protein level. Using alternate nomenclature, this variant would be defined as BRCA1 c.3898T>G. The substitution creates a nonsense variant, which changes a Leucine to a premature stop codon (TTA>TGA), and is predicted to cause loss of normal protein function through either protein truncation or nonsense-mediated mRNA decay. ClinVar contains an entry for this variant (Variation ID: 531227). This variant is not present in population databases (ExAC no frequency). For these reasons, this variant has been classified as Pathogenic.

GeneDx
Classification: Pathogenic. Last evaluated: 2015-07-14. Review status: criteria provided, single submitter. Criteria: GeneDx Variant Classification (06012015). Collection method: clinical testing. Allele origin: germline. Affected: yes. Not counted in ClinVar's aggregate classification.
Comment: This pathogenic variant is denoted BRCA1 c.3779T>G at the cDNA level and p.Leu1260Ter (L1260X) at the protein level. Using alternate nomenclature, this variant would be defined as BRCA1 c.3898T>G. The substitution creates a nonsense variant, which changes a Leucine to a premature stop codon (TTA>TGA), and is predicted to cause loss of normal protein function through either protein truncation or nonsense-mediated mRNA decay. Although this variant has not, to our knowledge, been reported in the literature, it is considered pathogenic.